The following is an entry in ClinVar:

ClinVar aggregate classification (germline): Likely benign (1 of 4 stars; one submission).

gnomAD v4.1: 15 of 398,572 alleles (0.0038%); highest among the groups gnomAD compares: Middle Eastern, 0.062%; no homozygotes.

Submission:

CeGaT Center for Human Genetics Tuebingen
Classification: Likely benign. Last evaluated: 2026-09-01. Review status: criteria provided, single submitter. Criteria: CeGaT Center For Human Genetics Tuebingen Variant Classification Criteria Version 2. Collection method: clinical testing. Allele origin: germline. Affected: yes. Observed: 2 variant alleles.
Comment: SPTAN1: PP2, BS1

NM_001130438.3(SPTAN1):c.6708-1185G>A

Gene: SPTAN1 (spectrin alpha, non-erythrocytic 1; plus strand). Cytogenetic location: 9q34.11.
Variant type: single nucleotide variant.
Coding change: c.6708-1185G>A on transcript NM_001130438.3 (MANE Select); 1185 bases into the intron before coding-DNA position 6708, G replaced by A.
Molecular consequence: intron variant. On other transcripts: missense variant (4).
Genome position (GRCh38, 1-based): chr9:128,629,136, G>A. VCF-style: chr9-128629136-G-A. GRCh37 (hg19) VCF-style: chr9-131391415-G-A.
Other names: c.6719G>A, p.Arg2240His (NM_001363759.2); c.6755G>A, p.Arg2252His (NM_001375318.1); c.6644G>A, p.Arg2215His (NM_001438444.1); c.6704G>A, p.Arg2235His (NM_001438445.1); c.6744-1185G>A (NM_001375312.2, NM_001438440.1); c.6708-1185G>A (NM_001375311.2); c.6648-1185G>A (NM_001375314.2, NM_001363765.2); c.6795-1185G>A (NM_001375310.1); and 6 more; short protein forms R2215H, R2235H, R2240H, R2252H.
Identifiers: ClinVar variation 4873029 (VCV004873029.2).